The following is an entry in ClinVar:

NM_012186.3(FOXE3):c.197C>T (p.Pro66Leu)

Genes: FOXE3 (forkhead box E3; plus strand), LINC01389 (long independently transcribed non-coding RNA 1389; minus strand). Cytogenetic location: 1p33.
Variant type: single nucleotide variant.
Coding change: c.197C>T on transcript NM_012186.3 (MANE Select); coding-DNA position 197, C replaced by T.
Protein change: p.Pro66Leu; replaces proline 66 with leucine.
Molecular consequence: missense variant.
Genome position (GRCh38, 1-based): chr1:47,416,512, C>T. VCF-style: chr1-47416512-C-T. GRCh37 (hg19) VCF-style: chr1-47882184-C-T.
Other names: short protein forms P66L.
Identifiers: ClinVar variation 4787990 (VCV004787990.1).

ClinVar aggregate classification (germline): Uncertain significance (1 of 4 stars; one submission).

Conditions:
Anterior segment dysgenesis. Also called: Ocular anterior segment dysgenesis. Identifiers: Orphanet 88632, MedGen C1862839, MONDO:0019503, HP:0007700.
Congenital primary aphakia. Also called: Anterior segment dysgenesis 2, multiple subtypes; ANTERIOR SEGMENT DYSGENESIS 2. Identifiers: Orphanet 83461, MedGen C1853230, MONDO:0012456, OMIM 610256.

Submission:

Labcorp Genetics (formerly Invitae), Labcorp
Classification: Uncertain significance for Anterior segment dysgenesis; Congenital primary aphakia. Last evaluated: 2025-11-18. Review status: criteria provided, single submitter. Criteria: Invitae Variant Classification Sherloc (09022015). Collection method: clinical testing. Allele origin: germline.
Comment: This sequence change replaces proline, which is neutral and non-polar, with leucine, which is neutral and non-polar, at codon 66 of the FOXE3 protein (p.Pro66Leu). This variant is not present in population databases (gnomAD no frequency). This variant has not been reported in the literature in individuals affected with FOXE3-related conditions. Invitae Evidence Modeling of protein sequence and biophysical properties (such as structural, functional, and spatial information, amino acid conservation, physicochemical variation, residue mobility, and thermodynamic stability) has been performed for this missense variant. However, the output from this modeling did not meet the statistical confidence thresholds required to predict the impact of this variant on FOXE3 protein function. In summary, the available evidence is currently insufficient to determine the role of this variant in disease. Therefore, it has been classified as a Variant of Uncertain Significance.